The following is an entry in ClinVar:

ClinVar aggregate classification (germline): Likely benign (0 of 4 stars; one submission).

Conditions:
PARD3-related disorder. Also called: PARD3-related condition.

Allele frequency attached by ClinVar (database versions not stated): gnomAD exomes 0.00005; ExAC 0.00017; 1000 Genomes Project 0.00020; 1000 Genomes Project 30x 0.00031; ESP Exome Variant Server 0.00054; TOPMed 0.00054; gnomAD 0.00058.
gnomAD v4.1: 166 of 1,614,130 alleles (0.01%); highest among the groups gnomAD compares: African/African-American, 0.21%; 1 homozygote.

Submission:

PreventionGenetics, part of Exact Sciences
Classification: Likely benign for PARD3-related condition. Last evaluated: 2019-11-25. Review status: no assertion criteria provided. Collection method: clinical testing. Allele origin: germline.
Comment: This variant is classified as likely benign based on ACMG/AMP sequence variant interpretation guidelines (Richards et al. 2015 PMID: 25741868, with internal and published modifications).

NM_001184785.2(PARD3):c.279C>A (p.Ala93=)

Gene: PARD3 (par-3 family cell polarity regulator; minus strand). Cytogenetic location: 10p11.21.
Variant type: single nucleotide variant.
Coding change: c.279C>A on transcript NM_001184785.2 (MANE Select); coding-DNA position 279, C replaced by A.
Protein change: p.Ala93=; no amino-acid change (alanine 93 retained).
Molecular consequence: synonymous variant.
Genome position (GRCh38, 1-based): chr10:34,517,103, G>T on the plus strand (C>A on the coding strand, the complement: PARD3 is on the minus strand). VCF-style: chr10-34517103-G-T. GRCh37 (hg19) VCF-style: chr10-34806031-G-T.
Other names: c.279C>A, p.Ala93= (NM_001184786.2, NM_001184787.2, NM_001184788.2 and 7 more transcripts).
Identifiers: ClinVar variation 3047985 (VCV003047985.2), dbSNP rs146256790, ClinGen allele CA5468220.